The following is an entry in ClinVar:

ClinVar aggregate classification (germline): Pathogenic/Likely pathogenic. Review status: criteria provided, multiple submitters, no conflicts (2 of 4 stars). 2 submissions from 2 submitters: Pathogenic (1); Likely pathogenic (1). Last evaluated 2025-04-28.

Conditions:
Propionic acidemia (PROP). Also called: GLYCINEMIA, KETOTIC; HYPERGLYCINEMIA WITH KETOACIDOSIS AND LEUKOPENIA; KETOTIC HYPERGLYCINEMIA. Identifiers: Orphanet 35, MedGen C0268579, MONDO:0011628, OMIM 606054, HP:0003571.

Submissions (2):

Natera, Inc.
Classification: Likely pathogenic for Propionic acidemia. Last evaluated: 2025-04-28. Review status: criteria provided, single submitter. Criteria: Natera Variant Classification Schema (03/2026). Collection method: clinical testing. Allele origin: germline.
Comment: The c.369_372del variant in PCCB is a frameshift variant predicted to shift the reading frame beginning at codon 123 and leads to a stop codon 26 codons downstream. This variant is expected to result in nonsense mediated decay, truncation, or a dysfunctional protein product. This variant is rare in the general population with a frequency below the threshold expected for the associated phenotype(s). Given the available evidence, this variant is classified as Likely Pathogenic.

Labcorp Genetics (formerly Invitae), Labcorp
Classification: Pathogenic for Propionic acidemia. Last evaluated: 2023-09-26. Review status: criteria provided, single submitter. Criteria: Invitae Variant Classification Sherloc (09022015). Collection method: clinical testing. Allele origin: germline.
Comment: For these reasons, this variant has been classified as Pathogenic. This variant has not been reported in the literature in individuals affected with PCCB-related conditions. This variant is not present in population databases (gnomAD no frequency). This sequence change creates a premature translational stop signal (p.Ser123Argfs*26) in the PCCB gene. It is expected to result in an absent or disrupted protein product. Loss-of-function variants in PCCB are known to be pathogenic (PMID: 15464417).

Literature cited by the submitters: PubMed 15464417 (cited by Labcorp Genetics (formerly Invitae), Labcorp).

NM_000532.5(PCCB):c.369_372del (p.Ser123fs)

Gene: PCCB (propionyl-CoA carboxylase subunit beta; plus strand). Cytogenetic location: 3q22.3.
Variant type: Microsatellite.
Coding change: c.369_372del on transcript NM_000532.5 (MANE Select); coding-DNA positions 369 to 372, 4 bases deleted (TCAG; older notation c.369_372delTCAG).
Protein change: p.Ser123fs; shifts the reading frame from serine 123.
Molecular consequence: frameshift variant.
Genome position (GRCh38, 1-based): chr3:136,256,620-136,256,623, TCAG deleted; deleting any 4 consecutive bases within chr3:136,256,616-136,256,623 gives the same sequence; the c. name uses the placement nearest the transcript's 3' end. VCF-style (leftmost placement, unchanged base first): chr3-136256615-TTCAG-T. GRCh37 (hg19) VCF-style: chr3-135975457-TTCAG-T.
Other names: c.369_372del, p.Gln124fs (NM_001178014.2); c.369_372del (NM_000532.4); short protein forms S123fs, Q124fs.
Identifiers: ClinVar variation 2914872 (VCV002914872.5), dbSNP rs1206991395, ClinGen allele CA899348725.